The following is an entry in ClinVar:

ClinVar aggregate classification (germline): Uncertain significance (1 of 4 stars; one submission).

Conditions:
Cardiomyopathy (CMYO). Also called: Cardiomyopathies. Identifiers: Orphanet 167848, MedGen C0878544, MONDO:0004994, HP:0001638. Inheritance: Various modes of inheritance.

gnomAD v4.1: 6 of 1,613,344 alleles (0.00037%); highest among the groups gnomAD compares: Non-Finnish European, 0.00051%; no homozygotes.

Submission:

Color Diagnostics, LLC DBA Color Health
Classification: Uncertain significance for Cardiomyopathy. Last evaluated: 2024-03-07. Review status: criteria provided, single submitter. Criteria: ACMG Guidelines, 2015. Collection method: clinical testing. Allele origin: germline.
Comment: This missense variant replaces aspartic acid with tyrosine at codon 162 of the DSG2 protein. Computational prediction suggests that this variant may not impact protein structure and function (internally defined REVEL score threshold <= 0.5, PMID: 27666373). To our knowledge, functional studies have not been reported for this variant. This variant has not been reported in individuals affected with cardiovascular disorders in the literature. This variant has been identified in 1/249262 chromosomes in the general population by the Genome Aggregation Database (gnomAD). The available evidence is insufficient to determine the role of this variant in disease conclusively. Therefore, this variant is classified as a Variant of Uncertain Significance.

NM_001943.5(DSG2):c.484G>T (p.Asp162Tyr)

Gene: DSG2 (desmoglein 2; plus strand). Cytogenetic location: 18q12.1.
Variant type: single nucleotide variant.
Coding change: c.484G>T on transcript NM_001943.5 (MANE Select); coding-DNA position 484, G replaced by T.
Protein change: p.Asp162Tyr; replaces aspartic acid 162 with tyrosine.
Molecular consequence: missense variant.
Genome position (GRCh38, 1-based): chr18:31,521,204, G>T. VCF-style: chr18-31521204-G-T. GRCh37 (hg19) VCF-style: chr18-29101167-G-T.
Other names: short protein forms D162Y.
Identifiers: ClinVar variation 2775208 (VCV002775208.2), dbSNP rs1028593181, ClinGen allele CA297729306.